The following is an entry in ClinVar:

NM_004565.3(PEX14):c.593C>G (p.Thr198Arg)

Gene: PEX14 (peroxisomal biogenesis factor 14; plus strand). Cytogenetic location: 1p36.22.
Variant type: single nucleotide variant.
Coding change: c.593C>G on transcript NM_004565.3 (MANE Select); coding-DNA position 593, C replaced by G.
Protein change: p.Thr198Arg; replaces threonine 198 with arginine.
Molecular consequence: missense variant.
Genome position (GRCh38, 1-based): chr1:10,627,279, C>G. VCF-style: chr1-10627279-C-G. GRCh37 (hg19) VCF-style: chr1-10687336-C-G.
Other names: short protein forms T198R.
Identifiers: ClinVar variation 5001911 (VCV005001911.1).

ClinVar aggregate classification (germline): Uncertain significance (1 of 4 stars; one submission).

Conditions:
PEX14-related disorder. Also called: PEX14-related condition.

Submission:

PreventionGenetics, part of Exact Sciences
Classification: Uncertain significance for PEX14-related condition. Last evaluated: 2025-02-07. Review status: criteria provided, single submitter. Criteria: ACMG Guidelines, 2015. Collection method: clinical testing. Allele origin: germline.
Comment: The PEX14 c.593C>G variant is predicted to result in the amino acid substitution p.Thr198Arg. To our knowledge, this variant has not been reported in the literature or in a large population database (gnomAD), indicating this variant is rare. At this time, the clinical significance of this variant is uncertain due to the absence of conclusive functional and genetic evidence.